The following is an entry in ClinVar:

NM_001330723.2(SNX27):c.782dup (p.Leu262fs)

Gene: SNX27 (sorting nexin 27; plus strand). Cytogenetic location: 1q21.3.
Variant type: Duplication.
Coding change: c.782dup on transcript NM_001330723.2 (MANE Select); coding-DNA position 782, one base duplicated (T; older notation c.782dupT).
Protein change: p.Leu262fs; shifts the reading frame from leucine 262.
Molecular consequence: frameshift variant.
Genome position (GRCh38, 1-based): chr1:151,660,843, T duplicated; the last of 2 consecutive T bases (chr1:151,660,842-151,660,843); duplicating either gives the same sequence. VCF-style (leftmost placement, unchanged base first): chr1-151660841-A-AT. GRCh37 (hg19) VCF-style: chr1-151633317-A-AT.
Other names: c.782dup, p.Leu262fs (NM_030918.6); short protein forms L262fs.
Identifiers: ClinVar variation 1098325 (VCV001098325.3), dbSNP rs2102681464, ClinGen allele CA2499214183.

ClinVar aggregate classification (germline): Likely pathogenic. Review status: criteria provided, single submitter (1 of 4 stars). 2 submissions from 2 submitters: Likely pathogenic (1). 1 of the submissions does not count toward it. Last evaluated 2021-04-26.

Conditions:
DAMSEH-DANSON NEURODEVELOPMENTAL DISORDER (DADAND). Also called: NEURODEVELOPMENTAL DISORDER WITH SEIZURES, ABSENT LANGUAGE, AND BEHAVIORAL ABNORMALITIES. Identifiers: MedGen CN381674, OMIM 621591.

Submissions (2):

Genetics Laboratory, UDIAT-Centre Diagnòstic, Hospital Universitari Parc Tauli
Classification: Likely pathogenic. Last evaluated: 2021-04-26. Review status: criteria provided, single submitter. Criteria: Parc Tauli Hospital Assertion Criteria 2021. Collection method: clinical testing. Allele origin: maternal. Inheritance: Autosomal recessive inheritance. Affected: yes. Observed: 1 compound heterozygote.
Comment: PVS1_very strong;PM2_supporting

OMIM
Classification: Pathogenic for DAMSEH-DANSON NEURODEVELOPMENTAL DISORDER. Last evaluated: 2026-06-03. Review status: no assertion criteria provided. Collection method: literature only. Allele origin: germline. Not counted in ClinVar's aggregate classification.

Literature cited by the submitters: PubMed 31721175 (cited by Genetics Laboratory, UDIAT-Centre Diagnòstic, Hospital Universitari Parc Tauli and OMIM).